The following is an entry in ClinVar:

ClinVar aggregate classification (germline): Uncertain significance (1 of 4 stars; one submission).

Conditions:
Holoprosencephaly 11 (HPE11). Identifiers: Orphanet 2162, MedGen C3280215, MONDO:0013642, OMIM 614226.

Allele frequency attached by ClinVar (database versions not stated): ExAC 0.00002; gnomAD exomes 0.00002; gnomAD 0.00010; TOPMed 0.00012.
gnomAD v4.1: 40 of 1,613,062 alleles (0.0025%); highest among the groups gnomAD compares: Admixed American, 0.05%; no homozygotes.

Submission:

Labcorp Genetics (formerly Invitae), Labcorp
Classification: Uncertain significance for Holoprosencephaly 11. Last evaluated: 2024-06-06. Review status: criteria provided, single submitter. Criteria: Invitae Variant Classification Sherloc (09022015). Collection method: clinical testing. Allele origin: germline.
Comment: This sequence change falls in intron 10 of the CDON gene. It does not directly change the encoded amino acid sequence of the CDON protein. It affects a nucleotide within the consensus splice site. This variant is present in population databases (rs753587433, gnomAD 0.04%). This variant has not been reported in the literature in individuals affected with CDON-related conditions. ClinVar contains an entry for this variant (Variation ID: 2159292). Variants that disrupt the consensus splice site are a relatively common cause of aberrant splicing (PMID: 17576681, 9536098). Algorithms developed to predict the effect of sequence changes on RNA splicing suggest that this variant is not likely to affect RNA splicing. In summary, the available evidence is currently insufficient to determine the role of this variant in disease. Therefore, it has been classified as a Variant of Uncertain Significance.

Literature cited by the submitters: PubMed 17576681; PubMed 9536098.

NM_001378964.1(CDON):c.2026+6T>G

Gene: CDON (cell adhesion associated, oncogene regulated; minus strand). Cytogenetic location: 11q24.2.
Variant type: single nucleotide variant.
Coding change: c.2026+6T>G on transcript NM_001378964.1 (MANE Select); 6 bases into the intron after coding-DNA position 2026, T replaced by G.
Molecular consequence: intron variant.
Genome position (GRCh38, 1-based): chr11:126,003,896, A>C on the plus strand (T>G on the coding strand, the complement: CDON is on the minus strand). VCF-style: chr11-126003896-A-C. GRCh37 (hg19) VCF-style: chr11-125873791-A-C.
Other names: c.2026+6T>G (NM_001441166.1, NM_016952.6, NM_001243597.3 and 5 more transcripts).
Identifiers: ClinVar variation 2159292 (VCV002159292.4), dbSNP rs753587433, ClinGen allele CA6351880.